The following is an entry in ClinVar:

NM_002291.3(LAMB1):c.4036G>C (p.Val1346Leu)

Gene: LAMB1 (laminin subunit beta 1; minus strand). Cytogenetic location: 7q31.1.
Variant type: single nucleotide variant.
Coding change: c.4036G>C on transcript NM_002291.3 (MANE Select); coding-DNA position 4036, G replaced by C.
Protein change: p.Val1346Leu; replaces valine 1346 with leucine.
Molecular consequence: missense variant.
Genome position (GRCh38, 1-based): chr7:107,935,567, C>G on the plus strand (G>C on the coding strand, the complement: LAMB1 is on the minus strand). VCF-style: chr7-107935567-C-G. GRCh37 (hg19) VCF-style: chr7-107576012-C-G.
Other names: short protein forms V1346L.
Identifiers: ClinVar variation 733694 (VCV000733694.13), dbSNP rs140219447, ClinGen allele CA4435164.
Genomic context (GRCh38, chr7:107,935,567, plus strand): 5'-GGGATTCTCGCTCCATCATCACGTCTTCTACTCTGTCTCTCATGAGGGCTGACTGCTCCA[C>G]AGTGCTGTTGGGTTCTGTGGTGGAGGCATTCACCCTCTCCTCTGCCTCAAGAGACATCTG-3'
Protein context (NP_002282.2, residues 1336-1356): NASTTEPNST[Val1346Leu]EQSALMRDRV

ClinVar aggregate classification (germline): Likely benign. Review status: criteria provided, multiple submitters, no conflicts (2 of 4 stars). 4 submissions from 4 submitters: Likely benign (3). 1 of the submissions does not count toward it. Last evaluated 2026-02-03.

Conditions:
Inborn genetic diseases. Identifiers: MedGen C0950123, MeSH D030342.
LAMB1-related disorder. Also called: LAMB1-related condition.

Allele frequency attached by ClinVar (database versions not stated): gnomAD exomes 0.00007; ExAC 0.00024; 1000 Genomes Project 30x 0.00062; 1000 Genomes Project 0.00080; gnomAD 0.00085 and 0.00092; ESP Exome Variant Server 0.00092; TOPMed 0.00111.
gnomAD v4.1: 238 of 1,613,986 alleles (0.015%); highest among the groups gnomAD compares: African/African-American, 0.29%; 3 homozygotes.

Submissions (4):

Women's Health and Genetics/Laboratory Corporation of America, LabCorp
Classification: Likely benign. Last evaluated: 2026-02-03. Review status: criteria provided, single submitter. Criteria: LabCorp Variant Classification Summary - May 2015. Collection method: clinical testing. Allele origin: germline.
Comment: Variant summary: LAMB1 c.4036G>C (p.Val1346Leu) results in a conservative amino acid change in the encoded protein sequence. Algorithms developed to predict the effect of missense changes on protein structure and function are either unavailable or do not agree on the potential impact of this missense change. The variant allele was found at a frequency of 0.00022 in 251386 control chromosomes, predominantly at a frequency of 0.0031 within the African or African-American subpopulation in the gnomAD database, including 1 homozygote. The observed variant frequency within African or African-American control individuals in the gnomAD database exceeds the estimated maximal expected allele frequency for disease-causing variants in LAMB1. To our knowledge, no occurrence of c.4036G>C in individuals affected with LAMB1-related conditions and no experimental evidence demonstrating its impact on protein function have been reported. ClinVar contains an entry for this variant (Variation ID: 733694). Based on the evidence outlined above, the variant was classified as likely benign.

Labcorp Genetics (formerly Invitae), Labcorp
Classification: Likely benign. Last evaluated: 2025-04-08. Review status: criteria provided, single submitter. Criteria: Invitae Variant Classification Sherloc (09022015). Collection method: clinical testing. Allele origin: germline.

Ambry Genetics
Classification: Likely benign for Inborn genetic diseases. Last evaluated: 2021-10-12. Review status: criteria provided, single submitter. Criteria: Ambry Variant Classification Scheme 2023. Collection method: clinical testing. Allele origin: germline.

PreventionGenetics, part of Exact Sciences
Classification: Likely benign for LAMB1-related condition. Last evaluated: 2022-07-06. Review status: no assertion criteria provided. Collection method: clinical testing. Allele origin: germline. Not counted in ClinVar's aggregate classification.
Comment: This variant is classified as likely benign based on ACMG/AMP sequence variant interpretation guidelines (Richards et al. 2015 PMID: 25741868, with internal and published modifications).